The following is an entry in ClinVar:

NM_000363.5(TNNI3):c.335dup (p.Tyr112Ter)

Gene: TNNI3 (troponin I3, cardiac type; minus strand). Cytogenetic location: 19q13.42.
Variant type: Duplication.
Coding change: c.335dup on transcript NM_000363.5 (MANE Select); coding-DNA position 335, one base duplicated (A; older notation c.335dupA).
Protein change: p.Tyr112Ter; replaces tyrosine 112 with a stop codon.
Molecular consequence: nonsense. On other transcripts: frameshift variant (1).
Genome position (GRCh38, 1-based): chr19:55,154,778, T duplicated on the plus strand (A on the coding strand, the reverse complement: TNNI3 is on the minus strand). VCF-style (leftmost placement, unchanged base first): chr19-55154777-G-GT. GRCh37 (hg19) VCF-style: chr19-55666145-G-GT.
Other names: c.335dupA (NM_000363.4); short protein forms Y112*.
Identifiers: ClinVar variation 2626574 (VCV002626574.3), dbSNP rs1568858517, ClinGen allele CA633871225.

ClinVar aggregate classification (germline): Conflicting classifications of pathogenicity. Review status: criteria provided, conflicting classifications (1 of 4 stars). 2 submissions from 2 submitters: Pathogenic (1); Uncertain significance (1). Last evaluated 2025-12-19.

Conditions:
Hypertrophic cardiomyopathy. Also called: HYPERTROPHIC MYOCARDIOPATHY. Identifiers: Orphanet 217569, MedGen C0007194, MeSH D002312, MONDO:0005045, HP:0001639.
Cardiovascular phenotype. Identifiers: MedGen CN230736.

Allele frequency attached by ClinVar (database versions not stated): gnomAD exomes below 0.00001.

Submissions (2):

Labcorp Genetics (formerly Invitae), Labcorp
Classification: Pathogenic for Hypertrophic cardiomyopathy. Last evaluated: 2025-12-19. Review status: criteria provided, single submitter. Criteria: Invitae Variant Classification Sherloc (09022015). Collection method: clinical testing. Allele origin: germline.
Comment: This sequence change creates a premature translational stop signal (p.Tyr112*) in the TNNI3 gene. It is expected to result in an absent or disrupted protein product. Loss-of-function variants in TNNI3 are known to be pathogenic (PMID: 31568572, 34036930, 35838873). This variant is present in population databases (no rsID available, gnomAD no frequency). This premature translational stop signal has been observed in individual(s) with TNNI3-related conditions (PMID: 29095814). ClinVar contains an entry for this variant (Variation ID: 2626574). For these reasons, this variant has been classified as Pathogenic.

Ambry Genetics
Classification: Uncertain significance for Cardiovascular phenotype. Last evaluated: 2023-07-22. Review status: criteria provided, single submitter. Criteria: Ambry Variant Classification Scheme 2023. Collection method: clinical testing. Allele origin: germline.
Comment: The c.335dupA variant, located in coding exon 6 of the TNNI3 gene, results from a duplication of A at nucleotide position 335, causing a translational frameshift with a predicted alternate stop codon (p.Y112*). This alteration is expected to result in loss of function by premature protein truncation or nonsense-mediated mRNA decay. Although biallelic loss of function alterations in TNNI3 have been associated with autosomal recessive TNNI3-related dilated cardiomyopathy, haploinsufficiency for TNNI3 has not been clearly established as a mechanism of disease for autosomal dominant TNNI3-related cardiomyopathy. Since supporting evidence is limited at this time, the clinical significance of this alteration remains unclear.

Literature cited by the submitters: PubMed 31568572 (cited by Labcorp Genetics (formerly Invitae), Labcorp); PubMed 34036930 (cited by Labcorp Genetics (formerly Invitae), Labcorp); PubMed 35838873 (cited by Labcorp Genetics (formerly Invitae), Labcorp); PubMed 29095814 (cited by Labcorp Genetics (formerly Invitae), Labcorp and Ambry Genetics).